The following is an entry in ClinVar:

NM_018896.5(CACNA1G):c.4412A>G (p.Asn1471Ser)

Gene: CACNA1G (calcium voltage-gated channel subunit alpha1 G; plus strand). Cytogenetic location: 17q21.33.
Variant type: single nucleotide variant.
Coding change: c.4412A>G on transcript NM_018896.5 (MANE Select); coding-DNA position 4412, A replaced by G.
Protein change: p.Asn1471Ser; replaces asparagine 1471 with serine.
Molecular consequence: missense variant. On other transcripts: non-coding transcript variant (5).
Genome position (GRCh38, 1-based): chr17:50,606,013, A>G. VCF-style: chr17-50606013-A-G. GRCh37 (hg19) VCF-style: chr17-48683374-A-G.
Other names: c.4412A>G, p.Asn1471Ser (NM_198384.3, NM_198385.3, NM_001256329.2 and 16 more transcripts); c.4412A>G (NM_018896.4); c.4343A>G, p.Asn1448Ser (NM_001256332.2, NM_198376.3, NM_198379.3 and 5 more transcripts); short protein forms N1448S, N1471S.
Identifiers: ClinVar variation 2647924 (VCV002647924.26), dbSNP rs1567711952, ClinGen allele CA400257004.

ClinVar aggregate classification (germline): Uncertain significance. Review status: criteria provided, multiple submitters, no conflicts (2 of 4 stars). 3 submissions from 3 submitters: Uncertain significance (3). Last evaluated 2025-02-27.

Allele frequency attached by ClinVar (database versions not stated): gnomAD exomes below 0.00001.

Submissions (3):

Labcorp Genetics (formerly Invitae), Labcorp
Classification: Uncertain significance. Last evaluated: 2025-02-27. Review status: criteria provided, single submitter. Criteria: Invitae Variant Classification Sherloc (09022015). Collection method: clinical testing. Allele origin: germline.
Comment: This sequence change replaces asparagine, which is neutral and polar, with serine, which is neutral and polar, at codon 1471 of the CACNA1G protein (p.Asn1471Ser). This variant is not present in population databases (gnomAD no frequency). This variant has not been reported in the literature in individuals affected with CACNA1G-related conditions. ClinVar contains an entry for this variant (Variation ID: 2647924). Invitae Evidence Modeling of protein sequence and biophysical properties (such as structural, functional, and spatial information, amino acid conservation, physicochemical variation, residue mobility, and thermodynamic stability) has been performed for this missense variant. However, the output from this modeling did not meet the statistical confidence thresholds required to predict the impact of this variant on CACNA1G protein function. In summary, the available evidence is currently insufficient to determine the role of this variant in disease. Therefore, it has been classified as a Variant of Uncertain Significance.

GeneDx
Classification: Uncertain significance. Last evaluated: 2025-02-13. Review status: criteria provided, single submitter. Criteria: GeneDx Variant Classification Process June 2021. Collection method: clinical testing. Allele origin: germline. Affected: yes.
Comment: Not observed at significant frequency in large population cohorts (gnomAD); In silico analysis supports that this missense variant has a deleterious effect on protein structure/function; Has not been previously published as pathogenic or benign to our knowledge

CeGaT Center for Human Genetics Tuebingen
Classification: Uncertain significance. Last evaluated: 2022-05-01. Review status: criteria provided, single submitter. Criteria: CeGaT Center For Human Genetics Tuebingen Variant Classification Criteria Version 2. Collection method: clinical testing. Allele origin: germline. Affected: yes. Observed: 1 variant allele.
Comment: CACNA1G: PM2, PP2